The following is an entry in ClinVar:

NM_001142864.4(PIEZO1):c.4328C>A (p.Ala1443Asp)

Gene: PIEZO1 (piezo type mechanosensitive ion channel component 1 (Er blood group); minus strand). Cytogenetic location: 16q24.3.
Variant type: single nucleotide variant.
Coding change: c.4328C>A on transcript NM_001142864.4 (MANE Select); coding-DNA position 4328, C replaced by A.
Protein change: p.Ala1443Asp; replaces alanine 1443 with aspartic acid.
Molecular consequence: missense variant.
Genome position (GRCh38, 1-based): chr16:88,723,878, G>T on the plus strand (C>A on the coding strand, the complement: PIEZO1 is on the minus strand). VCF-style: chr16-88723878-G-T. GRCh37 (hg19) VCF-style: chr16-88790286-G-T.
Other names: c.2870C>A, p.Ala957Asp (NM_014745.1); short protein forms A1443D, A957D.
Identifiers: ClinVar variation 2632292 (VCV002632292.1), dbSNP rs929757920, ClinGen allele CA397098357.

ClinVar aggregate classification (germline): Uncertain significance (1 of 4 stars; one submission).

Conditions:
PIEZO1-related disorder. Also called: PIEZO1-related condition; PIEZO1-Related Disorders.

gnomAD v4.1: 1 of 1,528,082 alleles (0.000065%); no homozygotes.

Submission:

PreventionGenetics, part of Exact Sciences
Classification: Uncertain significance for PIEZO1-related condition. Last evaluated: 2023-06-07. Review status: criteria provided, single submitter. Criteria: ACMG Guidelines, 2015. Collection method: clinical testing. Allele origin: germline.
Comment: The PIEZO1 c.4328C>A variant is predicted to result in the amino acid substitution p.Ala1443Asp. To our knowledge, this variant has not been reported in the literature. This variant is reported in 0.0065% of alleles in individuals of European (Finnish) descent in gnomAD. At this time, the clinical significance of this variant is uncertain due to the absence of conclusive functional and genetic evidence.